The following is an entry in ClinVar:

ClinVar aggregate classification (germline): Uncertain significance (1 of 4 stars; one submission).

Allele frequency attached by ClinVar (database versions not stated): gnomAD exomes below 0.00001; TOPMed below 0.00001; ExAC 0.00001; gnomAD 0.00001.
gnomAD v4.1: 5 of 1,608,976 alleles (0.00031%); highest among the groups gnomAD compares: Middle Eastern, 0.018%; no homozygotes.

Submission:

Labcorp Genetics (formerly Invitae), Labcorp
Classification: Uncertain significance. Last evaluated: 2022-07-01. Review status: criteria provided, single submitter. Criteria: Invitae Variant Classification Sherloc (09022015). Collection method: clinical testing. Allele origin: germline.
Comment: Algorithms developed to predict the effect of sequence changes on RNA splicing suggest that this variant may create or strengthen a splice site. In summary, the available evidence is currently insufficient to determine the role of this variant in disease. Therefore, it has been classified as a Variant of Uncertain Significance. Advanced modeling of protein sequence and biophysical properties (such as structural, functional, and spatial information, amino acid conservation, physicochemical variation, residue mobility, and thermodynamic stability) performed at Invitae indicates that this missense variant is not expected to disrupt COL9A3 protein function. This variant has not been reported in the literature in individuals affected with COL9A3-related conditions. This variant is present in population databases (rs764354782, gnomAD 0.007%). This sequence change replaces valine, which is neutral and non-polar, with methionine, which is neutral and non-polar, at codon 84 of the COL9A3 protein (p.Val84Met).

NM_001853.4(COL9A3):c.250G>A (p.Val84Met)

Gene: COL9A3 (collagen type IX alpha 3 chain; plus strand). Cytogenetic location: 20q13.33.
Variant type: single nucleotide variant.
Coding change: c.250G>A on transcript NM_001853.4 (MANE Select); coding-DNA position 250, G replaced by A.
Protein change: p.Val84Met; replaces valine 84 with methionine.
Molecular consequence: missense variant.
Genome position (GRCh38, 1-based): chr20:62,819,288, G>A. VCF-style: chr20-62819288-G-A. GRCh37 (hg19) VCF-style: chr20-61450640-G-A.
Other names: short protein forms V84M.
Identifiers: ClinVar variation 1903898 (VCV001903898.5), dbSNP rs764354782, ClinGen allele CA9949083.